The following is an entry in ClinVar:

NM_177438.3(DICER1):c.5501A>C (p.Tyr1834Ser)

Gene: DICER1 (dicer 1, ribonuclease III; minus strand). Cytogenetic location: 14q32.13.
Variant type: single nucleotide variant.
Coding change: c.5501A>C on transcript NM_177438.3 (MANE Select); coding-DNA position 5501, A replaced by C.
Protein change: p.Tyr1834Ser; replaces tyrosine 1834 with serine.
Molecular consequence: missense variant. On other transcripts: non-coding transcript variant (6), intron variant (1).
Genome position (GRCh38, 1-based): chr14:95,091,229, T>G on the plus strand (A>C on the coding strand, the complement: DICER1 is on the minus strand). VCF-style: chr14-95091229-T-G. GRCh37 (hg19) VCF-style: chr14-95557566-T-G.
Other names: c.5501A>C, p.Tyr1834Ser (NM_001271282.3, NM_001291628.2, NM_001395677.1 and 8 more transcripts); c.5219A>C, p.Tyr1740Ser (NM_001395686.1); c.5096A>C, p.Tyr1699Ser (NM_001395687.1, NM_001395688.1, NM_001395689.1 and 1 more transcripts); c.4934A>C, p.Tyr1645Ser (NM_001395691.1); c.3818A>C, p.Tyr1273Ser (NM_001395697.1); c.5365-120A>C (NM_001195573.1); short protein forms Y1273S, Y1645S, Y1699S, Y1740S, Y1834S.
Identifiers: ClinVar variation 3229434 (VCV003229434.1), dbSNP rs2542404114, ClinGen allele CA390864513.

ClinVar aggregate classification (germline): Uncertain significance (1 of 4 stars; one submission).

Conditions:
Hereditary cancer-predisposing syndrome. Also called: Neoplastic Syndromes, Hereditary; Tumor predisposition; Hereditary neoplastic syndrome; Hereditary Cancer Syndrome. Identifiers: Orphanet 140162, MedGen C0027672, MeSH D009386, MONDO:0015356.

Submission:

Ambry Genetics
Classification: Uncertain significance for Hereditary cancer-predisposing syndrome. Last evaluated: 2023-10-06. Review status: criteria provided, single submitter. Criteria: Ambry Variant Classification Scheme 2023. Collection method: clinical testing. Allele origin: germline.
Comment: The p.Y1834S variant (also known as c.5501A>C), located in coding exon 24 of the DICER1 gene, results from an A to C substitution at nucleotide position 5501. The tyrosine at codon 1834 is replaced by serine, an amino acid with dissimilar properties. This amino acid position is conserved. In addition, this alteration is predicted to be deleterious by in silico analysis. Since supporting evidence is limited at this time, the clinical significance of this alteration remains unclear.